The following is an entry in ClinVar:

ClinVar aggregate classification (germline): Uncertain significance (1 of 4 stars; one submission).

gnomAD v4.1: 34 of 1,614,004 alleles (0.0021%); highest among the groups gnomAD compares: South Asian, 0.018%; no homozygotes.

Submission:

GeneDx
Classification: Uncertain significance. Last evaluated: 2025-06-18. Review status: criteria provided, single submitter. Criteria: GeneDx Variant Classification Process June 2021. Collection method: clinical testing. Allele origin: germline. Affected: yes.
Comment: Intronic variant directly or indirectly altering the +5 splice site in a gene for which loss of function is a known mechanism of disease, and splice predictors support a deleterious effect; Has not been previously published as pathogenic or benign to our knowledge

NM_000666.3(ACY1):c.657+5G>A

Genes: ABHD14A-ACY1 (ABHD14A-ACY1 readthrough; plus strand), ACY1 (aminoacylase 1; plus strand). Cytogenetic location: 3p21.2.
Variant type: single nucleotide variant.
Coding change: c.657+5G>A on transcript NM_000666.3 (MANE Select); 5 bases into the intron after coding-DNA position 657, G replaced by A.
Molecular consequence: intron variant.
Genome position (GRCh38, 1-based): chr3:51,987,066, G>A. VCF-style: chr3-51987066-G-A. GRCh37 (hg19) VCF-style: chr3-52021082-G-A.
Other names: c.927+5G>A (NM_001316331.2); c.657+5G>A (NM_001198897.2, NM_001198895.2); c.441+5G>A (NM_001198896.2); c.552+5G>A (NM_001198898.2).
Identifiers: ClinVar variation 4540055 (VCV004540055.1).